The following is an entry in ClinVar:

NM_005633.4(SOS1):c.1758_1775dup (p.Asn591_Met592insIleIlePheGluGluAsn)

Gene: SOS1 (SOS Ras/Rac guanine nucleotide exchange factor 1; minus strand). Cytogenetic location: 2p22.1.
Variant type: Duplication.
Coding change: c.1758_1775dup on transcript NM_005633.4 (MANE Select); coding-DNA positions 1758 to 1775, 18 bases duplicated (TATATTTGAAGAGAACAT).
Protein change: p.Asn591_Met592insIleIlePheGluGluAsn.
Molecular consequence: inframe insertion. On other transcripts: inframe indel (1).
Genome position (GRCh38, 1-based): chr2:39,022,653-39,022,670, ATGTTCTCTTCAAATATA duplicated on the plus strand (TATATTTGAAGAGAACAT on the coding strand, the reverse complement: SOS1 is on the minus strand); duplicating any 18 consecutive bases within chr2:39,022,653-39,022,672 gives the same sequence; the c. name uses the placement nearest the transcript's 3' end. VCF-style (leftmost placement, unchanged base first): chr2-39022652-C-CATGTTCTCTTCAAATATA. GRCh37 (hg19) VCF-style: chr2-39249793-C-CATGTTCTCTTCAAATATA.
Other names: c.1737_1754dup, p.Asn584_Met585insIleIlePheGluGluAsn (NM_001382394.1); c.1758_1775dup, p.Asn591_Met592insIleIlePheGluGluAsn (NM_001382395.1); c.1758_1775dupTATATTTGAAGAGAACAT (NM_005633.3).
Identifiers: ClinVar variation 2567926 (VCV002567926.5), dbSNP rs2529034295, ClinGen allele CA2580611264.

ClinVar aggregate classification (germline): Uncertain significance. Review status: criteria provided, multiple submitters, no conflicts (2 of 4 stars). 2 submissions from 2 submitters: Uncertain significance (2). Last evaluated 2023-04-13.

Conditions:
RASopathy. Also called: Noonan spectrum disorder; rasopathies. Identifiers: Orphanet 536391, MedGen C5555857, MONDO:0021060.
Cardiovascular phenotype. Identifiers: MedGen CN230736.

Submissions (2):

Labcorp Genetics (formerly Invitae), Labcorp
Classification: Uncertain significance for RASopathy. Last evaluated: 2023-04-13. Review status: criteria provided, single submitter. Criteria: Invitae Variant Classification Sherloc (09022015). Collection method: clinical testing. Allele origin: germline.
Comment: This variant, c.1758_1775dup, results in the insertion of 6 amino acid(s) of the SOS1 protein (p.Ile586_Asn591dup), but otherwise preserves the integrity of the reading frame. This variant is not present in population databases (gnomAD no frequency). This variant has not been reported in the literature in individuals affected with SOS1-related conditions. In summary, the available evidence is currently insufficient to determine the role of this variant in disease. Therefore, it has been classified as a Variant of Uncertain Significance.

Ambry Genetics
Classification: Uncertain significance for Cardiovascular phenotype. Last evaluated: 2023-03-17. Review status: criteria provided, single submitter. Criteria: Ambry Variant Classification Scheme 2023. Collection method: clinical testing. Allele origin: germline.
Comment: The c.1758_1775dup18 variant (also known as p.I586_N591dup), located in coding exon 10 of the SOS1 gene, results from an in-frame duplication of 18 nucleotides at nucleotide positions 1758 to 1775. This results in the duplication of 6 extra residues (IIFEEN) between codons 586 and 591. This amino acid position ranges from highly conserved to poorly conserved in available vertebrate species. Since supporting evidence is limited at this time, the clinical significance of this alteration remains unclear.